The following is an entry in ClinVar:

ClinVar aggregate classification (germline): Uncertain significance (1 of 4 stars; one submission).

Conditions:
Hemochromatosis type 2A (HFE2A). Also called: Adult-Onset Hemochromatosis; HJV (HFE2)-Related Juvenile Hemochromatosis. Identifiers: Orphanet 79230, MedGen C1865614, MONDO:0011216, OMIM 602390.

Submission:

Institute of Immunology and Genetics Kaiserslautern
Classification: Uncertain significance for Hemochromatosis type 2A. Last evaluated: 2024-08-14. Review status: criteria provided, single submitter. Criteria: ACMG Guidelines, 2015. Collection method: clinical testing. Allele origin: germline. Affected: yes.
Comment: ACMG Criteria: PM2; Variant was found in heterozygous state together with the heterozygous variant NM_213653.4:c.116T>C

NM_213653.4(HJV):c.1142T>C (p.Leu381Pro)

Gene: HJV (hemojuvelin BMP co-receptor; minus strand). Cytogenetic location: 1q21.1.
Variant type: single nucleotide variant.
Coding change: c.1142T>C on transcript NM_213653.4 (MANE Select); coding-DNA position 1142, T replaced by C.
Protein change: p.Leu381Pro; replaces leucine 381 with proline.
Molecular consequence: missense variant.
Genome position (GRCh38, 1-based): chr1:146,018,216, A>G on the plus strand (T>C on the coding strand, the complement: HJV is on the minus strand). VCF-style: chr1-146018216-A-G. GRCh37 (hg19) VCF-style: chr1-145416797-T-C.
Other names: c.464T>C, p.Leu155Pro (NM_001316767.2, NM_202004.4, NM_213652.4); c.1142T>C, p.Leu381Pro (NM_001379352.1); c.803T>C, p.Leu268Pro (NM_145277.5); short protein forms L155P, L268P, L381P.
Identifiers: ClinVar variation 3366979 (VCV003366979.1).